The following is an entry in ClinVar:

ClinVar aggregate classification (germline): Uncertain significance (1 of 4 stars; one submission).

Submission:

Ambry Genetics
Classification: Uncertain significance. Last evaluated: 2022-06-23. Review status: criteria provided, single submitter. Criteria: Ambry Variant Classification Scheme 2023. Collection method: clinical testing. Allele origin: germline.
Comment: The p.D267N variant (also known as c.799G>A), located in coding exon 6 of the NQO1 gene, results from a G to A substitution at nucleotide position 799. The aspartic acid at codon 267 is replaced by asparagine, an amino acid with highly similar properties. This amino acid position is conserved. In addition, this alteration is predicted to be tolerated by in silico analysis. Since supporting evidence is limited at this time, the clinical significance of this alteration remains unclear.

NM_000903.3(NQO1):c.799G>A (p.Asp267Asn)

Gene: NQO1 (NAD(P)H quinone dehydrogenase 1; minus strand). Cytogenetic location: 16q22.1.
Variant type: single nucleotide variant.
Coding change: c.799G>A on transcript NM_000903.3 (MANE Select); coding-DNA position 799, G replaced by A.
Protein change: p.Asp267Asn; replaces aspartic acid 267 with asparagine.
Molecular consequence: missense variant.
Genome position (GRCh38, 1-based): chr16:69,711,002, C>T on the plus strand (G>A on the coding strand, the complement: NQO1 is on the minus strand). VCF-style: chr16-69711002-C-T. GRCh37 (hg19) VCF-style: chr16-69744905-C-T.
Other names: c.697G>A, p.Asp233Asn (NM_001025433.2); c.685G>A, p.Asp229Asn (NM_001025434.2); c.583G>A, p.Asp195Asn (NM_001286137.2); short protein forms D195N, D267N, D233N, D229N.
Identifiers: ClinVar variation 1761549 (VCV001761549.2), dbSNP rs2544317714, ClinGen allele CA396487306.